The following is an entry in ClinVar:

ClinVar aggregate classification (germline): Uncertain significance (1 of 4 stars; one submission).

Conditions:
Hereditary spastic paraplegia 49 (HSAN9). Also called: TECPR2-Related Hereditary Sensory and Autonomic Neuropathy with Intellectual Disability; NEUROPATHY, HEREDITARY SENSORY AND AUTONOMIC, TYPE IX, WITH DEVELOPMENTAL DELAY; Spastic paraplegia 49, autosomal recessive. Identifiers: Orphanet 320385, MedGen C5190860, MONDO:0014016, OMIM 615031.

Allele frequency attached by ClinVar (database versions not stated): gnomAD exomes below 0.00001.
gnomAD v4.1: 6 of 1,609,106 alleles (0.00037%); highest among the groups gnomAD compares: East Asian, 0.0022%; no homozygotes.

Submission:

Labcorp Genetics (formerly Invitae), Labcorp
Classification: Uncertain significance for Hereditary spastic paraplegia 49. Last evaluated: 2022-04-25. Review status: criteria provided, single submitter. Criteria: Invitae Variant Classification Sherloc (09022015). Collection method: clinical testing. Allele origin: germline.
Comment: This sequence change replaces arginine, which is basic and polar, with tryptophan, which is neutral and slightly polar, at codon 1335 of the TECPR2 protein (p.Arg1335Trp). This variant is not present in population databases (gnomAD no frequency). This variant has not been reported in the literature in individuals affected with TECPR2-related conditions. Algorithms developed to predict the effect of missense changes on protein structure and function are either unavailable or do not agree on the potential impact of this missense change (SIFT: "Deleterious"; PolyPhen-2: "Probably Damaging"; Align-GVGD: "Class C0"). In summary, the available evidence is currently insufficient to determine the role of this variant in disease. Therefore, it has been classified as a Variant of Uncertain Significance.

NM_014844.5(TECPR2):c.4003C>T (p.Arg1335Trp)

Gene: TECPR2 (tectonin beta-propeller repeat containing 2; plus strand). Cytogenetic location: 14q32.31.
Variant type: single nucleotide variant.
Coding change: c.4003C>T on transcript NM_014844.5 (MANE Select); coding-DNA position 4003, C replaced by T.
Protein change: p.Arg1335Trp; replaces arginine 1335 with tryptophan.
Molecular consequence: missense variant.
Genome position (GRCh38, 1-based): chr14:102,497,641, C>T. VCF-style: chr14-102497641-C-T. GRCh37 (hg19) VCF-style: chr14-102963978-C-T.
Other names: short protein forms R1335W.
Identifiers: ClinVar variation 1915801 (VCV001915801.2), dbSNP rs749120823, ClinGen allele CA391058545.